The following is an entry in ClinVar:

ClinVar aggregate classification (germline): Uncertain significance (1 of 4 stars; one submission).

Submission:

GeneDx
Classification: Uncertain significance. Last evaluated: 2023-04-03. Review status: criteria provided, single submitter. Criteria: GeneDx Variant Classification Process June 2021. Collection method: clinical testing. Allele origin: germline. Affected: yes.
Comment: Not observed at significant frequency in large population cohorts (gnomAD); In silico analysis supports that this missense variant does not alter protein structure/function; Has not been previously published as pathogenic or benign to our knowledge

NM_006662.3(SRCAP):c.1522G>A (p.Glu508Lys)

Gene: SRCAP (Snf2 related CREBBP activator protein; plus strand). Cytogenetic location: 16p11.2.
Variant type: single nucleotide variant.
Coding change: c.1522G>A on transcript NM_006662.3 (MANE Select); coding-DNA position 1522, G replaced by A.
Protein change: p.Glu508Lys; replaces glutamic acid 508 with lysine.
Molecular consequence: missense variant.
Genome position (GRCh38, 1-based): chr16:30,711,864, G>A. VCF-style: chr16-30711864-G-A. GRCh37 (hg19) VCF-style: chr16-30723185-G-A.
Other names: short protein forms E508K.
Identifiers: ClinVar variation 2662493 (VCV002662493.1), dbSNP rs772199002, ClinGen allele CA395604315.